The following is an entry in ClinVar:

ClinVar aggregate classification (germline): Uncertain significance (1 of 4 stars; one submission).

Conditions:
Marfan syndrome (MFS). Also called: MARFAN SYNDROME, TYPE I; Marfan syndrome type 1; Marfan's syndrome; Marfan syndrome, classic; FBN1-Related Marfan Syndrome. Identifiers: Orphanet 284963, Orphanet 558, MedGen C0024796, MONDO:0007947, OMIM 154700.
Familial thoracic aortic aneurysm and aortic dissection (TAAD). Also called: Thoracic aortic aneurysms and dissections. Identifiers: Orphanet 91387, MedGen C4707243, MONDO:0019625.

Allele frequency attached by ClinVar (database versions not stated): gnomAD exomes below 0.00001.
gnomAD v4.1: 2 of 1,613,688 alleles (0.00012%); highest among the groups gnomAD compares: Non-Finnish European, 0.00017%; no homozygotes.

Submission:

Labcorp Genetics (formerly Invitae), Labcorp
Classification: Uncertain significance for Marfan syndrome; Familial thoracic aortic aneurysm and aortic dissection. Last evaluated: 2025-07-23. Review status: criteria provided, single submitter. Criteria: Invitae Variant Classification Sherloc (09022015). Collection method: clinical testing. Allele origin: germline.
Comment: This sequence change replaces tyrosine, which is neutral and polar, with histidine, which is basic and polar, at codon 1996 of the FBN1 protein (p.Tyr1996His). This variant is not present in population databases (gnomAD no frequency). This variant has not been reported in the literature in individuals affected with FBN1-related conditions. ClinVar contains an entry for this variant (Variation ID: 2939569). Invitae Evidence Modeling of protein sequence and biophysical properties (such as structural, functional, and spatial information, amino acid conservation, physicochemical variation, residue mobility, and thermodynamic stability) indicates that this missense variant is expected to disrupt FBN1 protein function with a positive predictive value of 95%. In summary, the available evidence is currently insufficient to determine the role of this variant in disease. Therefore, it has been classified as a Variant of Uncertain Significance.

NM_000138.5(FBN1):c.5986T>C (p.Tyr1996His)

Gene: FBN1 (fibrillin 1; minus strand). Cytogenetic location: 15q21.1.
Variant type: single nucleotide variant.
Coding change: c.5986T>C on transcript NM_000138.5 (MANE Select); coding-DNA position 5986, T replaced by C.
Protein change: p.Tyr1996His; replaces tyrosine 1996 with histidine.
Molecular consequence: missense variant.
Genome position (GRCh38, 1-based): chr15:48,444,592, A>G on the plus strand (T>C on the coding strand, the complement: FBN1 is on the minus strand). VCF-style: chr15-48444592-A-G. GRCh37 (hg19) VCF-style: chr15-48736789-A-G.
Other names: c.5986T>C, p.Tyr1996His (NM_001406716.1); short protein forms Y1996H.
Identifiers: ClinVar variation 2939569 (VCV002939569.3), dbSNP rs2505451959, ClinGen allele CA392339741.